The following is an entry in ClinVar:

NM_001388453.1(QRICH2):c.3057C>T (p.Tyr1019=)

Gene: QRICH2 (glutamine rich 2; minus strand). Cytogenetic location: 17q25.1.
Variant type: single nucleotide variant.
Coding change: c.3057C>T on transcript NM_001388453.1 (MANE Select); coding-DNA position 3057, C replaced by T.
Protein change: p.Tyr1019=; no amino-acid change (tyrosine 1019 retained).
Molecular consequence: synonymous variant.
Genome position (GRCh38, 1-based): chr17:76,291,670, G>A on the plus strand (C>T on the coding strand, the complement: QRICH2 is on the minus strand). VCF-style: chr17-76291670-G-A. GRCh37 (hg19) VCF-style: chr17-74287751-G-A.
Other names: c.3057C>T, p.Tyr1019= (NM_032134.3).
Identifiers: ClinVar variation 2648308 (VCV002648308.24), dbSNP rs147682958, ClinGen allele CA8783910.

ClinVar aggregate classification (germline): Likely benign (1 of 4 stars; one submission).

Allele frequency attached by ClinVar (database versions not stated): gnomAD exomes 0.00001; ExAC 0.00003; gnomAD 0.00003; TOPMed 0.00004; ESP Exome Variant Server 0.00008.

Submission:

CeGaT Center for Human Genetics Tuebingen
Classification: Likely benign. Last evaluated: 2022-10-01. Review status: criteria provided, single submitter. Criteria: CeGaT Center For Human Genetics Tuebingen Variant Classification Criteria Version 2. Collection method: clinical testing. Allele origin: germline. Affected: yes. Observed: 1 variant allele.
Comment: QRICH2: BP4, BP7